The following is an entry in ClinVar:

NM_015512.5(DNAH1):c.10770C>T (p.Phe3590=)

Gene: DNAH1 (dynein axonemal heavy chain 1; plus strand). Cytogenetic location: 3p21.1.
Variant type: single nucleotide variant.
Coding change: c.10770C>T on transcript NM_015512.5 (MANE Select); coding-DNA position 10770, C replaced by T.
Protein change: p.Phe3590=; no amino-acid change (phenylalanine 3590 retained).
Molecular consequence: synonymous variant.
Genome position (GRCh38, 1-based): chr3:52,394,608, C>T. VCF-style: chr3-52394608-C-T. GRCh37 (hg19) VCF-style: chr3-52428624-C-T.
Identifiers: ClinVar variation 733590 (VCV000733590.12), dbSNP rs369033532, ClinGen allele CA2435942.

ClinVar aggregate classification (germline): Benign/Likely benign. Review status: criteria provided, multiple submitters, no conflicts (2 of 4 stars). 3 submissions from 3 submitters: Benign (1); Likely benign (1). 1 of the submissions does not count toward it. Last evaluated 2025-07-08.

Conditions:
DNAH1-related disorder. Also called: DNAH1-related condition.
Spermatogenic failure 18. Identifiers: MedGen C4539783, MONDO:0054615, OMIM 617576.
Ciliary dyskinesia, primary, 37 (CILD37). Also called: CILIARY DYSKINESIA, PRIMARY, 37, WITH OR WITHOUT SITUS INVERSUS. Identifiers: MedGen C4539798, MONDO:0033204, OMIM 617577.

Allele frequency attached by ClinVar (database versions not stated): gnomAD exomes 0.00006 and 0.00024; gnomAD 0.00008 and 0.00010; ESP Exome Variant Server 0.00016; TOPMed 0.00018; ExAC 0.00024; 1000 Genomes Project 0.00060; 1000 Genomes Project 30x 0.00078.
gnomAD v4.1: 100 of 1,602,252 alleles (0.0062%); highest among the groups gnomAD compares: East Asian, 0.18%; no homozygotes.

Submissions (3):

Labcorp Genetics (formerly Invitae), Labcorp
Classification: Benign for Ciliary dyskinesia, primary, 37; Spermatogenic failure 18. Last evaluated: 2025-07-08. Review status: criteria provided, single submitter. Criteria: Invitae Variant Classification Sherloc (09022015). Collection method: clinical testing. Allele origin: germline.

Blueprint Genetics
Classification: Likely benign. Last evaluated: 2024-03-06. Review status: criteria provided, single submitter. Criteria: ACMG Guidelines, 2015. Collection method: clinical testing. Allele origin: germline.

PreventionGenetics, part of Exact Sciences
Classification: Likely benign for DNAH1-related condition. Last evaluated: 2019-08-09. Review status: no assertion criteria provided. Collection method: clinical testing. Allele origin: germline. Not counted in ClinVar's aggregate classification.
Comment: This variant is classified as likely benign based on ACMG/AMP sequence variant interpretation guidelines (Richards et al. 2015 PMID: 25741868, with internal and published modifications).